The following is an entry in ClinVar:

NM_001184.4(ATR):c.7780G>C (p.Asp2594His)

Gene: ATR (ATR checkpoint kinase; minus strand). Cytogenetic location: 3q23.
Variant type: single nucleotide variant.
Coding change: c.7780G>C on transcript NM_001184.4 (MANE Select); coding-DNA position 7780, G replaced by C.
Protein change: p.Asp2594His; replaces aspartic acid 2594 with histidine.
Molecular consequence: missense variant.
Genome position (GRCh38, 1-based): chr3:142,449,584, C>G on the plus strand (G>C on the coding strand, the complement: ATR is on the minus strand). VCF-style: chr3-142449584-C-G. GRCh37 (hg19) VCF-style: chr3-142168426-C-G.
Other names: c.7588G>C, p.Asp2530His (NM_001354579.2); short protein forms D2594H, D2530H.
Identifiers: ClinVar variation 1468066 (VCV001468066.8), dbSNP rs1227410272, ClinGen allele CA354793954.
Genomic context (GRCh38, chr3:142,449,584, plus strand): 5'-ACGGCAGTCCTGTCACTCTATTTCGAGTCTTGATTACACCTTGTAGTCGCTGCTCAATGT[C>G]AAGAACATGGGTCTTGGCCTAAAAAGAAGAAACATAAAACCAAAAACAGATGTTAATAAT-3'
Protein context (NP_001175.2, residues 2584-2604): VNEKAKTHVL[Asp2594His]IEQRLQGVIK

ClinVar aggregate classification (germline): Uncertain significance. Review status: criteria provided, multiple submitters, no conflicts (2 of 4 stars). 4 submissions from 3 submitters: Uncertain significance (4). Last evaluated 2025-09-14.

Conditions:
Familial cutaneous telangiectasia and oropharyngeal predisposition cancer syndrome. Identifiers: Orphanet 313846, MedGen C3281203, MONDO:0013806, OMIM 614564.
Seckel syndrome 1 (SCKL1). Also called: MICROCEPHALIC PRIMORDIAL DWARFISM I. Identifiers: Orphanet 808, MedGen C4551474, MONDO:0008869, OMIM 210600.
Inborn genetic diseases. Identifiers: MedGen C0950123, MeSH D030342.

Allele frequency attached by ClinVar (database versions not stated): gnomAD exomes below 0.00001 and 0.00001.
gnomAD v4.1: 8 of 1,614,060 alleles (0.0005%); highest among the groups gnomAD compares: Non-Finnish European, 0.00068%; no homozygotes.

Submissions (4):

Labcorp Genetics (formerly Invitae), Labcorp
Classification: Uncertain significance. Last evaluated: 2025-09-14. Review status: criteria provided, single submitter. Criteria: Invitae Variant Classification Sherloc (09022015). Collection method: clinical testing. Allele origin: germline.
Comment: This sequence change replaces aspartic acid, which is acidic and polar, with histidine, which is basic and polar, at codon 2594 of the ATR protein (p.Asp2594His). This variant is present in population databases (no rsID available, gnomAD 0.0009%). This variant has not been reported in the literature in individuals affected with ATR-related conditions. ClinVar contains an entry for this variant (Variation ID: 1468066). An algorithm developed to predict the effect of missense changes on protein structure and function (PolyPhen-2) suggests that this variant is likely to be disruptive. In summary, the available evidence is currently insufficient to determine the role of this variant in disease. Therefore, it has been classified as a Variant of Uncertain Significance.

Genome-Nilou Lab
Classification: Uncertain significance for Seckel syndrome 1. Last evaluated: 2023-02-08. Review status: criteria provided, single submitter. Criteria: ACMG Guidelines, 2015. Collection method: clinical testing. Allele origin: germline.

Genome-Nilou Lab
Classification: Uncertain significance for Familial cutaneous telangiectasia and oropharyngeal predisposition cancer syndrome. Last evaluated: 2023-02-08. Review status: criteria provided, single submitter. Criteria: ACMG Guidelines, 2015. Collection method: clinical testing. Allele origin: germline.

Ambry Genetics
Classification: Uncertain significance for Inborn genetic diseases. Last evaluated: 2021-07-05. Review status: criteria provided, single submitter. Criteria: Ambry Variant Classification Scheme 2023. Collection method: clinical testing. Allele origin: germline.
Comment: The p.D2594H variant (also known as c.7780G>C), located in coding exon 47 of the ATR gene, results from a G to C substitution at nucleotide position 7780. The aspartic acid at codon 2594 is replaced by histidine, an amino acid with similar properties. This amino acid position is conserved. In addition, the in silico prediction for this alteration is inconclusive. Since supporting evidence is limited at this time, the clinical significance of this alteration remains unclear.